The following is an entry in ClinVar:

ClinVar aggregate classification (germline): Uncertain significance (1 of 4 stars; one submission).

Conditions:
DiGeorge syndrome. Also called: THIRD AND FOURTH PHARYNGEAL POUCH SYNDROME; Catch22. Identifiers: Orphanet 567, MedGen C0012236, MONDO:0008564, OMIM 188400.

Submission:

Labcorp Genetics (formerly Invitae), Labcorp
Classification: Uncertain significance for DiGeorge syndrome. Last evaluated: 2022-09-29. Review status: criteria provided, single submitter. Criteria: Invitae Variant Classification Sherloc (09022015). Collection method: clinical testing. Allele origin: germline.
Comment: This sequence change replaces glycine, which is neutral and non-polar, with valine, which is neutral and non-polar, at codon 39 of the TBX1 protein (p.Gly39Val). The frequency data for this variant in the population databases is considered unreliable, as metrics indicate insufficient coverage at this position in the gnomAD database. This variant has not been reported in the literature in individuals affected with TBX1-related conditions. Advanced modeling of protein sequence and biophysical properties (such as structural, functional, and spatial information, amino acid conservation, physicochemical variation, residue mobility, and thermodynamic stability) performed at Invitae indicates that this missense variant is not expected to disrupt TBX1 protein function. In summary, the available evidence is currently insufficient to determine the role of this variant in disease. Therefore, it has been classified as a Variant of Uncertain Significance.

NM_001379200.1(TBX1):c.143G>T (p.Gly48Val)

Gene: TBX1 (T-box transcription factor 1; plus strand). Cytogenetic location: 22q11.21.
Variant type: single nucleotide variant.
Coding change: c.143G>T on transcript NM_001379200.1 (MANE Select); coding-DNA position 143, G replaced by T.
Protein change: p.Gly48Val; replaces glycine 48 with valine.
Molecular consequence: missense variant.
Genome position (GRCh38, 1-based): chr22:19,760,986, G>T. VCF-style: chr22-19760986-G-T. GRCh37 (hg19) VCF-style: chr22-19748509-G-T.
Other names: c.116G>T, p.Gly39Val (NM_005992.1, NM_080646.2, NM_080647.1); short protein forms G39V, G48V.
Identifiers: ClinVar variation 1718784 (VCV001718784.5), dbSNP rs1936637951, ClinGen allele CA410681242.